The following is an entry in ClinVar:

NM_001165963.4(SCN1A):c.4282G>C (p.Val1428Leu)

Genes: SCN1A (sodium voltage-gated channel alpha subunit 1; minus strand), LOC102724058 (uncharacterized LOC102724058; plus strand). Cytogenetic location: 2q24.3.
Variant type: single nucleotide variant.
Coding change: c.4282G>C on transcript NM_001165963.4 (MANE Select); coding-DNA position 4282, G replaced by C.
Protein change: p.Val1428Leu; replaces valine 1428 with leucine.
Molecular consequence: missense variant. On other transcripts: non-coding transcript variant (1).
Genome position (GRCh38, 1-based): chr2:166,002,474, C>G on the plus strand (G>C on the coding strand, the complement: SCN1A is on the minus strand). VCF-style: chr2-166002474-C-G. GRCh37 (hg19) VCF-style: chr2-166858984-C-G.
Other names: c.4198G>C, p.Val1400Leu (NM_001165964.3, NM_001353957.2, NM_001353958.2); c.4282G>C, p.Val1428Leu (NM_001202435.3, NM_001353948.2); c.4249G>C, p.Val1417Leu (NM_001353949.2, NM_001353950.2, NM_001353951.2 and 2 more transcripts); c.4246G>C, p.Val1416Leu (NM_001353954.2, NM_001353955.2); c.4195G>C, p.Val1399Leu (NM_001353960.2); c.1840G>C, p.Val614Leu (NM_001353961.2); short protein forms V1399L, V1400L, V1416L, V1417L, V1428L, V614L.
Identifiers: ClinVar variation 1025674 (VCV001025674.9), dbSNP rs878854263, ClinGen allele CA349049865.

ClinVar aggregate classification (germline): Uncertain significance (1 of 4 stars; one submission).

Conditions:
Early-infantile DEE. Also called: Ohtahara syndrome; Early infantile epileptic encephalopathy; Early infantile epileptic encephalopathy with suppression bursts. Identifiers: Orphanet 1934, MedGen C0393706, MONDO:0800491.

Submission:

Labcorp Genetics (formerly Invitae), Labcorp
Classification: Uncertain significance for Early-infantile DEE. Last evaluated: 2020-06-15. Review status: criteria provided, single submitter. Criteria: Invitae Variant Classification Sherloc (09022015). Collection method: clinical testing. Allele origin: germline.
Comment: This variant has not been reported in the literature in individuals with SCN1A-related conditions. This variant is not present in population databases (ExAC no frequency). This sequence change replaces valine with leucine at codon 1428 of the SCN1A protein (p.Val1428Leu). The valine residue is highly conserved and there is a small physicochemical difference between valine and leucine. Algorithms developed to predict the effect of missense changes on protein structure and function (SIFT, PolyPhen-2, Align-GVGD) all suggest that this variant is likely to be disruptive, but these predictions have not been confirmed by published functional studies and their clinical significance is uncertain. In summary, the available evidence is currently insufficient to determine the role of this variant in disease. Therefore, it has been classified as a Variant of Uncertain Significance. This variant disrupts the p.Val1428 amino acid residue in SCN1A. Other variant(s) that disrupt this residue have been determined to be pathogenic (Invitae). This suggests that this residue is clinically significant, and that variants that disrupt this residue are likely to be disease-causing.